The following is an entry in ClinVar:

NC_000002.11:g.(?_202501451)_(202633608_?)del

Genes: MPP4 (MAGUK p55 scaffold protein 4; minus strand), ALS2 (alsin Rho guanine nucleotide exchange factor ALS2; minus strand), TMEM237 (transmembrane protein 237; minus strand). Cytogenetic location: 2q33.1.
Variant type: Deletion.
Identifiers: ClinVar variation 2423585 (VCV002423585.4).

ClinVar aggregate classification (germline): Pathogenic. Review status: criteria provided, single submitter (1 of 4 stars). 2 submissions from 1 submitter: Pathogenic (2). Last evaluated 2023-08-04.

Conditions:
Joubert syndrome 14 (JBTS14). Identifiers: MedGen C3280766, MONDO:0013745, OMIM 614424.
Infantile-onset ascending hereditary spastic paralysis (IAHSP). Also called: Autosomal Recessive Juvenile Amyotrophic Lateral Sclerosis; Infantile-Onset Ascending Hereditary Spastic Paralysis (IAHSP). Identifiers: Orphanet 293168, MedGen C2931441, MONDO:0011797, OMIM 607225. Disease mechanism: loss of function.

Submissions (2):

Labcorp Genetics (formerly Invitae), Labcorp
Classification: Pathogenic for Joubert syndrome 14. Last evaluated: 2023-08-04. Review status: criteria provided, single submitter. Criteria: Invitae Variant Classification Sherloc (09022015). Collection method: clinical testing. Allele origin: germline.
Comment: This variant is a gross deletion of the genomic region encompassing exon(s) 1-5 of the TMEM237 gene, which includes the initiator codon. This deletion extends beyond the assayed region for this gene and therefore may encompass additional genes. It is expected to result in an absent or disrupted protein product. Loss-of-function variants in TMEM237 are known to be pathogenic (PMID: 22152675). This variant has not been reported in the literature in individuals affected with TMEM237-related conditions. For these reasons, this variant has been classified as Pathogenic.

Labcorp Genetics (formerly Invitae), Labcorp
Classification: Pathogenic for Infantile-onset ascending hereditary spastic paralysis. Last evaluated: 2023-08-04. Review status: criteria provided, single submitter. Criteria: Invitae Variant Classification Sherloc (09022015). Collection method: clinical testing. Allele origin: germline.
Comment: A gross deletion of the genomic region encompassing the full coding sequence of the ALS2 gene has been identified. Loss-of-function variants in ALS2 are known to be pathogenic (PMID: 11586298, 24315819). The boundaries of this event are unknown as they extend beyond the assayed region for this gene and therefore may encompass additional genes. This variant has not been reported in the literature in individuals affected with ALS2-related conditions. For these reasons, this variant has been classified as Pathogenic.

Literature cited by the submitters: PubMed 22152675; PubMed 11586298; PubMed 24315819.